The following is an entry in ClinVar:

ClinVar aggregate classification (germline): Uncertain significance (1 of 4 stars; one submission).

Submission:

GeneDx
Classification: Uncertain significance. Last evaluated: 2022-09-02. Review status: criteria provided, single submitter. Criteria: GeneDx Variant Classification Process June 2021. Collection method: clinical testing. Allele origin: germline. Affected: yes.
Comment: Not observed at significant frequency in large population cohorts (gnomAD); In silico analysis supports that this missense variant has a deleterious effect on protein structure/function; Has not been previously published as pathogenic or benign to our knowledge

NM_015937.6(PIGT):c.1298A>C (p.Gln433Pro)

Gene: PIGT (phosphatidylinositol glycan anchor biosynthesis class T; plus strand). Cytogenetic location: 20q13.12.
Variant type: single nucleotide variant.
Coding change: c.1298A>C on transcript NM_015937.6 (MANE Select); coding-DNA position 1298, A replaced by C.
Protein change: p.Gln433Pro; replaces glutamine 433 with proline.
Molecular consequence: missense variant. On other transcripts: non-coding transcript variant (5).
Genome position (GRCh38, 1-based): chr20:45,424,279, A>C. VCF-style: chr20-45424279-A-C. GRCh37 (hg19) VCF-style: chr20-44052919-A-C.
Other names: c.1130A>C, p.Gln377Pro (NM_001184728.3); c.1097A>C, p.Gln366Pro (NM_001184729.3); c.992A>C, p.Gln331Pro (NM_001184730.3); short protein forms Q331P, Q366P, Q377P, Q433P.
Identifiers: ClinVar variation 2500682 (VCV002500682.1), dbSNP rs2515558235, ClinGen allele CA409170270.